The following is an entry in ClinVar:

ClinVar aggregate classification (germline): Conflicting classifications of pathogenicity. Review status: criteria provided, conflicting classifications (1 of 4 stars). 2 submissions from 2 submitters: Uncertain significance (1); Likely benign (1). Last evaluated 2023-03-27.

Conditions:
CDH15-related disorder. Also called: CDH15-related condition.

Allele frequency attached by ClinVar (database versions not stated): gnomAD exomes 0.00006 and 0.00010; ExAC 0.00010; TOPMed 0.00011; gnomAD 0.00013 and 0.00016.

Submissions (2):

PreventionGenetics, part of Exact Sciences
Classification: Uncertain significance for CDH15-related condition. Last evaluated: 2023-03-27. Review status: criteria provided, single submitter. Criteria: ACMG Guidelines, 2015. Collection method: clinical testing. Allele origin: germline.
Comment: The CDH15 c.107G>A variant is predicted to result in the amino acid substitution p.Arg36Gln. To our knowledge, this variant has not been reported in the literature. This variant is reported in 0.059% of alleles in individuals of South Asian descent in gnomAD. Although we suspect that this variant may be benign, at this time, the clinical significance of this variant is uncertain due to the absence of conclusive functional and genetic evidence.

Genetic Services Laboratory, University of Chicago
Classification: Likely benign. Last evaluated: 2015-06-05. Review status: criteria provided, single submitter. Criteria: ACMG Guidelines, 2015. Collection method: clinical testing. Allele origin: germline.

NM_004933.3(CDH15):c.107G>A (p.Arg36Gln)

Gene: CDH15 (cadherin 15; plus strand). Cytogenetic location: 16q24.3.
Variant type: single nucleotide variant.
Coding change: c.107G>A on transcript NM_004933.3 (MANE Select); coding-DNA position 107, G replaced by A.
Protein change: p.Arg36Gln; replaces arginine 36 with glutamine.
Molecular consequence: missense variant.
Genome position (GRCh38, 1-based): chr16:89,179,480, G>A. VCF-style: chr16-89179480-G-A. GRCh37 (hg19) VCF-style: chr16-89245888-G-A.
Other names: short protein forms R36Q.
Identifiers: ClinVar variation 210623 (VCV000210623.7), dbSNP rs367770505, ClinGen allele CA209379.
Genomic context (GRCh38, chr16:89,179,480, plus strand): 5'-TCTGCCTGTCTTTGGGGGTTCCTGGATGGAGGAGGCCCACCACCCTGTACCCCTGGCGCC[G>A]GGCGCCTGCCCTGAGCCGCGTGCGGAGGGCCTGGGTCATCCCCCCGATCAGCGTATCCGA-3'
Protein context (NP_004924.1, residues 26-46): RRPTTLYPWR[Arg36Gln]APALSRVRRA